The following is an entry in ClinVar:

ClinVar aggregate classification (germline): Likely benign (0 of 4 stars; one submission).

Conditions:
CREBBP-related disorder. Also called: CREBBP-related condition; CREBBP-related disorders.

Submission:

PreventionGenetics, part of Exact Sciences
Classification: Likely benign for CREBBP-related condition. Last evaluated: 2024-07-01. Review status: no assertion criteria provided. Collection method: clinical testing. Allele origin: germline.
Comment: This variant is classified as likely benign based on ACMG/AMP sequence variant interpretation guidelines (Richards et al. 2015 PMID: 25741868, with internal and published modifications).

NM_004380.3(CREBBP):c.6608_6609insGC (p.Gln2204fs)

Gene: CREBBP (CREB binding lysine acetyltransferase; minus strand). Cytogenetic location: 16p13.3.
Variant type: Insertion.
Coding change: c.6608_6609insGC on transcript NM_004380.3 (MANE Select); coding-DNA positions 6608 to 6609, GC inserted.
Protein change: p.Gln2204fs; shifts the reading frame from glutamine 2204.
Molecular consequence: frameshift variant.
Genome position: GRCh38 VCF-style: chr16-3728438-T-TGC. GRCh37 (hg19) VCF-style: chr16-3778439-T-TGC.
Other names: c.6494_6495insGC, p.Gln2166fs (NM_001079846.1); short protein forms Q2166fs, Q2204fs.
Identifiers: ClinVar variation 3353054 (VCV003353054.1).